The following is an entry in ClinVar:

NM_000124.4(ERCC6):c.137C>T (p.Ser46Phe)

Gene: ERCC6 (ERCC excision repair 6, chromatin remodeling factor; minus strand). Cytogenetic location: 10q11.23.
Variant type: single nucleotide variant.
Coding change: c.137C>T on transcript NM_000124.4 (MANE Select); coding-DNA position 137, C replaced by T.
Protein change: p.Ser46Phe; replaces serine 46 with phenylalanine.
Molecular consequence: missense variant.
Genome position (GRCh38, 1-based): chr10:49,532,828, G>A on the plus strand (C>T on the coding strand, the complement: ERCC6 is on the minus strand). VCF-style: chr10-49532828-G-A. GRCh37 (hg19) VCF-style: chr10-50740874-G-A.
Other names: c.137C>T, p.Ser46Phe (NM_001277058.2, NM_001277059.2, NM_001346440.2); short protein forms S46F.
Identifiers: ClinVar variation 3090116 (VCV003090116.4), dbSNP rs570753448, ClinGen allele CA5496616.

ClinVar aggregate classification (germline): Uncertain significance. Review status: criteria provided, multiple submitters, no conflicts (2 of 4 stars). 3 submissions from 3 submitters: Uncertain significance (3). Last evaluated 2025-08-28.

Conditions:
Inborn genetic diseases. Identifiers: MedGen C0950123, MeSH D030342.

Allele frequency attached by ClinVar (database versions not stated): ExAC 0.00002; gnomAD 0.00005; gnomAD exomes 0.00001; TOPMed 0.00004.
gnomAD v4.1: 29 of 1,614,166 alleles (0.0018%); highest among the groups gnomAD compares: African/African-American, 0.025%; no homozygotes.

Submissions (3):

Ambry Genetics
Classification: Uncertain significance for Inborn genetic diseases. Last evaluated: 2025-08-28. Review status: criteria provided, single submitter. Criteria: Ambry Variant Classification Scheme 2023. Collection method: clinical testing. Allele origin: germline.

Women's Health and Genetics/Laboratory Corporation of America, LabCorp
Classification: Uncertain significance. Last evaluated: 2025-07-23. Review status: criteria provided, single submitter. Criteria: LabCorp Variant Classification Summary - May 2015. Collection method: clinical testing. Allele origin: germline.
Comment: Variant summary: ERCC6 c.137C>T (p.Ser46Phe) results in a non-conservative amino acid change in the encoded protein sequence. Algorithms developed to predict the effect of missense changes on protein structure and function are either unavailable or do not agree on the potential impact of this missense change. The variant allele was found at a frequency of 1.2e-05 in 251448 control chromosomes. The available data on variant occurrences in the general population are insufficient to allow any conclusion about variant significance. To our knowledge, no occurrence of c.137C>T in individuals affected with Cerebrooculofacioskeletal Syndrome 1 and no experimental evidence demonstrating its impact on protein function have been reported. ClinVar contains an entry for this variant (Variation ID: 3090116). Based on the evidence outlined above, the variant was classified as uncertain significance.

GeneDx
Classification: Uncertain significance. Last evaluated: 2025-05-21. Review status: criteria provided, single submitter. Criteria: GeneDx Variant Classification Process June 2021. Collection method: clinical testing. Allele origin: germline. Affected: yes.
Comment: In silico analysis suggests that this missense variant does not alter protein structure/function; Has not been previously published as pathogenic or benign to our knowledge